The following is an entry in ClinVar:

NM_001754.5(RUNX1):c.631G>C (p.Asp211His)

Gene: RUNX1 (RUNX family transcription factor 1; minus strand). Cytogenetic location: 21q22.12.
Variant type: single nucleotide variant.
Coding change: c.631G>C on transcript NM_001754.5 (MANE Select); coding-DNA position 631, G replaced by C.
Protein change: p.Asp211His; replaces aspartic acid 211 with histidine.
Molecular consequence: missense variant.
Genome position (GRCh38, 1-based): chr21:34,834,584, C>G on the plus strand (G>C on the coding strand, the complement: RUNX1 is on the minus strand). VCF-style: chr21-34834584-C-G. GRCh37 (hg19) VCF-style: chr21-36206881-C-G.
Other names: NM_001754.5(RUNX1):c.631G>C; p.Asp211His; c.550G>C, p.Asp184His (NM_001001890.3, NM_001122607.2); short protein forms D184H, D211H.
Identifiers: ClinVar variation 1945937 (VCV001945937.6), dbSNP rs2517041987, ClinGen allele CA410207146.

ClinVar aggregate classification (germline): Uncertain significance. Review status: reviewed by expert panel (3 of 4 stars). 2 submissions from 2 submitters: Uncertain significance (1). 1 of the submissions does not count toward it. Last evaluated 2024-10-29.

Conditions:
Hereditary thrombocytopenia and hematologic cancer predisposition syndrome. Identifiers: Orphanet 71290, MedGen CN281654, MONDO:0011071.
Hereditary thrombocytopenia and hematological cancer predisposition syndrome associated with RUNX1. Also called: RUNX1 Familial Platelet Disorder with Associated Myeloid Malignancies; Familial Platelet Disorder with Propensity to Acute Myelogenous Leukemia; Familial thrombocytopenia with propensity to acute myelogenous leukemia; PLATELET DISORDER, ASPIRIN-LIKE. Identifiers: Orphanet 71290, MedGen C1832388, MeSH C563324, MONDO:0100083, OMIM 601399.

Submissions (2):

ClinGen Myeloid Malignancy Variant Curation Expert Panel
Classification: Uncertain significance for Hereditary thrombocytopenia and hematologic cancer predisposition syndrome. Last evaluated: 2024-10-29. Review status: reviewed by expert panel. Criteria: ClinGen MyeloMalig ACMG Specifications v2. Collection method: curation. Allele origin: germline. Inheritance: Autosomal dominant inheritance.
Comment: NM_001754.5(RUNX1):c.631G>C (p.Asp211His) is a missense variant which is completely absent from all population databases with at least 20x coverage for RUNX1 (PM2_Supporting). In summary, the clinical significance of this variant is uncertain. ACMG/AMP criteria applied, as specified by the Myeloid Malignancy Variant Curation Expert Panel for RUNX1: PM2_supporting.

Labcorp Genetics (formerly Invitae), Labcorp
Classification: Uncertain significance for Hereditary thrombocytopenia and hematological cancer predisposition syndrome associated with RUNX1. Last evaluated: 2023-08-11. Review status: criteria provided, single submitter. Criteria: Invitae Variant Classification Sherloc (09022015). Collection method: clinical testing. Allele origin: germline. Not counted in ClinVar's aggregate classification.
Comment: Advanced modeling of protein sequence and biophysical properties (such as structural, functional, and spatial information, amino acid conservation, physicochemical variation, residue mobility, and thermodynamic stability) performed at Invitae indicates that this missense variant is not expected to disrupt RUNX1 protein function. ClinVar contains an entry for this variant (Variation ID: 1945937). This variant has not been reported in the literature in individuals affected with RUNX1-related conditions. This variant is not present in population databases (gnomAD no frequency). This sequence change replaces aspartic acid, which is acidic and polar, with histidine, which is basic and polar, at codon 211 of the RUNX1 protein (p.Asp211His). In summary, the available evidence is currently insufficient to determine the role of this variant in disease. Therefore, it has been classified as a Variant of Uncertain Significance.